The following is an entry in ClinVar:

ClinVar aggregate classification (germline): Uncertain significance (1 of 4 stars; one submission).

Submission:

GeneDx
Classification: Uncertain significance. Last evaluated: 2024-07-03. Review status: criteria provided, single submitter. Criteria: GeneDx Variant Classification Process June 2021. Collection method: clinical testing. Allele origin: germline. Affected: yes.
Comment: Not observed at significant frequency in large population cohorts (gnomAD); Nonsense variant predicted to result in protein truncation or nonsense mediated decay in a gene or region of a gene for which loss of function is not a well-established mechanism of disease; Has not been previously published as pathogenic or benign to our knowledge

NM_006828.4(ASCC3):c.6370A>T (p.Lys2124Ter)

Gene: ASCC3 (activating signal cointegrator 1 complex subunit 3; minus strand). Cytogenetic location: 6q16.3.
Variant type: single nucleotide variant.
Coding change: c.6370A>T on transcript NM_006828.4 (MANE Select); coding-DNA position 6370, A replaced by T.
Protein change: p.Lys2124Ter; replaces lysine 2124 with a stop codon.
Molecular consequence: nonsense.
Genome position (GRCh38, 1-based): chr6:100,510,023, T>A on the plus strand (A>T on the coding strand, the complement: ASCC3 is on the minus strand). VCF-style: chr6-100510023-T-A. GRCh37 (hg19) VCF-style: chr6-100957899-T-A.
Other names: short protein forms K2124*.
Identifiers: ClinVar variation 3393890 (VCV003393890.1).
Genomic context (GRCh38, chr6:100,510,023, plus strand): 5'-GGGAAGCAACATGATGATTTCGAATATATCCTACTCTTTTCAAAGCAATAAGTTCTCTCT[T>A]ATCCACTTCTCCTAATATCAAAAACCATCCTTCGTCTTTTGATTTGGGAAATCGAGGAGT-3'